The following is an entry in ClinVar:

ClinVar aggregate classification (germline): Uncertain significance. Review status: criteria provided, multiple submitters, no conflicts (2 of 4 stars). 2 submissions from 2 submitters: Uncertain significance (2). Last evaluated 2024-12-07.

Conditions:
Inborn genetic diseases. Identifiers: MedGen C0950123, MeSH D030342.

Submissions (2):

Ambry Genetics
Classification: Uncertain significance for Inborn genetic diseases. Last evaluated: 2024-12-07. Review status: criteria provided, single submitter. Criteria: Ambry Variant Classification Scheme 2023. Collection method: clinical testing. Allele origin: germline.
Comment: The p.R211L variant (also known as c.632G>T), located in coding exon 5 of the ETV6 gene, results from a G to T substitution at nucleotide position 632. The arginine at codon 211 is replaced by leucine, an amino acid with dissimilar properties. This amino acid position is conserved. In addition, this alteration is predicted to be tolerated by in silico analysis. Based on the available evidence, the clinical significance of this variant remains unclear.

GeneDx
Classification: Uncertain significance. Last evaluated: 2022-12-08. Review status: criteria provided, single submitter. Criteria: GeneDx Variant Classification Process June 2021. Collection method: clinical testing. Allele origin: germline. Affected: yes.
Comment: Not observed at significant frequency in large population cohorts (gnomAD); In silico analysis supports that this missense variant does not alter protein structure/function; Has not been previously published as pathogenic or benign to our knowledge

NM_001987.5(ETV6):c.632G>T (p.Arg211Leu)

Gene: ETV6 (ETS variant transcription factor 6; plus strand). Cytogenetic location: 12p13.2.
Variant type: single nucleotide variant.
Coding change: c.632G>T on transcript NM_001987.5 (MANE Select); coding-DNA position 632, G replaced by T.
Protein change: p.Arg211Leu; replaces arginine 211 with leucine.
Molecular consequence: missense variant.
Genome position (GRCh38, 1-based): chr12:11,869,592, G>T. VCF-style: chr12-11869592-G-T. GRCh37 (hg19) VCF-style: chr12-12022526-G-T.
Other names: c.629G>T, p.Arg210Leu (NM_001413913.1); c.605G>T, p.Arg202Leu (NM_001413914.1); c.368G>T, p.Arg123Leu (NM_001413915.1); c.632G>T, p.Arg211Leu (NM_001413916.1, NM_001413917.1); short protein forms R123L, R202L, R210L, R211L.
Identifiers: ClinVar variation 2504774 (VCV002504774.2), dbSNP rs111871763, ClinGen allele CA384043622.